The following is an entry in ClinVar:

ClinVar aggregate classification (germline): Uncertain significance. Review status: criteria provided, multiple submitters, no conflicts (2 of 4 stars). 2 submissions from 2 submitters: Uncertain significance (2). Last evaluated 2023-04-03.

Conditions:
Classic or attenuated familial adenomatous polyposis. Identifiers: MedGen CN372698, MONDO:0021057.
Familial adenomatous polyposis 1 (FAP1). Also called: FAMILIAL ADENOMATOUS POLYPOSIS 1, ATTENUATED; POLYPOSIS, ADENOMATOUS INTESTINAL. Identifiers: MedGen C2713442, MONDO:0021056, OMIM 175100. Disease mechanism: loss of function.

Submissions (2):

All of Us Research Program, National Institutes of Health
Classification: Uncertain significance for Classic or attenuated familial adenomatous polyposis. Last evaluated: 2023-04-03. Review status: criteria provided, single submitter. Criteria: ACMG Guidelines, 2015. Collection method: clinical testing. Allele origin: germline. Inheritance: Autosomal dominant inheritance. Observed: 1 variant allele, 1 heterozygote.
Comment: This missense variant replaces isoleucine with leucine at codon 2615 of the APC protein. Computational prediction suggests that this variant may not impact protein structure and function (internally defined REVEL score threshold <= 0.5, PMID: 27666373). To our knowledge, functional studies have not been reported for this variant. This variant has not been reported in individuals affected with APC-related disorders in the literature. This variant has not been identified in the general population by the Genome Aggregation Database (gnomAD). The available evidence is insufficient to determine the role of this variant in disease conclusively. Therefore, this variant is classified as a Variant of Uncertain Significance.

This study involves interpretation of variants in research participants for the purpose of population health screening. Participant phenotype was not available at the time of variant classification. Additional details can be found in publication PMID: 35346344, PMCID: PMC8962531

Labcorp Genetics (formerly Invitae), Labcorp
Classification: Uncertain significance for Familial adenomatous polyposis 1. Last evaluated: 2019-09-01. Review status: criteria provided, single submitter. Criteria: Invitae Variant Classification Sherloc (09022015). Collection method: clinical testing. Allele origin: germline.
Comment: This variant has not been reported in the literature in individuals with APC-related conditions. In summary, the available evidence is currently insufficient to determine the role of this variant in disease. Therefore, it has been classified as a Variant of Uncertain Significance. Algorithms developed to predict the effect of missense changes on protein structure and function (SIFT, PolyPhen-2, Align-GVGD) all suggest that this variant is likely to be tolerated, but these predictions have not been confirmed by published functional studies and their clinical significance is uncertain. This variant is not present in population databases (ExAC no frequency). This sequence change replaces isoleucine with leucine at codon 2615 of the APC protein (p.Ile2615Leu). The isoleucine residue is highly conserved and there is a small physicochemical difference between isoleucine and leucine.

NM_000038.6(APC):c.7843A>T (p.Ile2615Leu)

Gene: APC (APC regulator of Wnt signaling pathway; plus strand). Cytogenetic location: 5q22.2.
Variant type: single nucleotide variant.
Coding change: c.7843A>T on transcript NM_000038.6 (MANE Select); coding-DNA position 7843, A replaced by T.
Protein change: p.Ile2615Leu; replaces isoleucine 2615 with leucine.
Molecular consequence: missense variant.
Genome position (GRCh38, 1-based): chr5:112,843,437, A>T. VCF-style: chr5-112843437-A-T. GRCh37 (hg19) VCF-style: chr5-112179134-A-T.
Other names: c.7843A>T, p.Ile2615Leu (NM_001127510.3, NM_001354895.2); c.7789A>T, p.Ile2597Leu (NM_001127511.3); c.7897A>T, p.Ile2633Leu (NM_001354896.2); c.7873A>T, p.Ile2625Leu (NM_001354897.2); c.7768A>T, p.Ile2590Leu (NM_001354898.2); c.7759A>T, p.Ile2587Leu (NM_001354899.2); c.7720A>T, p.Ile2574Leu (NM_001354900.2); c.7666A>T, p.Ile2556Leu (NM_001354901.2); and 5 more; short protein forms I2332L, I2455L, I2489L, I2556L, I2597L, I2514L, I2574L, I2587L.
Identifiers: ClinVar variation 941020 (VCV000941020.12), dbSNP rs863224550, ClinGen allele CA16038372.